The following is an entry in ClinVar:

NM_000053.4(ATP7B):c.265A>G (p.Met89Val)

Gene: ATP7B (ATPase copper transporting beta; minus strand). Cytogenetic location: 13q14.3.
Variant type: single nucleotide variant.
Coding change: c.265A>G on transcript NM_000053.4 (MANE Select); coding-DNA position 265, A replaced by G.
Protein change: p.Met89Val; replaces methionine 89 with valine.
Molecular consequence: missense variant.
Genome position (GRCh38, 1-based): chr13:51,974,955, T>C on the plus strand (A>G on the coding strand, the complement: ATP7B is on the minus strand). VCF-style: chr13-51974955-T-C. GRCh37 (hg19) VCF-style: chr13-52549091-T-C.
Other names: c.265A>G, p.Met89Val (NM_001005918.3, NM_001243182.2, NM_001330578.2 and 1 more transcripts); short protein forms M89V.
Identifiers: ClinVar variation 971361 (VCV000971361.8), dbSNP rs372516400, ClinGen allele CA6989593.

ClinVar aggregate classification (germline): Uncertain significance. Review status: criteria provided, multiple submitters, no conflicts (2 of 4 stars). 4 submissions from 4 submitters: Uncertain significance (3). 1 of the submissions does not count toward it. Last evaluated 2025-09-10.

Conditions:
Wilson disease (WND). Also called: Wilson's disease. Identifiers: Orphanet 905, MedGen C0019202, MONDO:0010200, OMIM 277900. Disease mechanism: loss of function.

Allele frequency attached by ClinVar (database versions not stated): gnomAD 0.00001; TOPMed 0.00001; ESP Exome Variant Server 0.00008.
gnomAD v4.1: 71 of 1,614,076 alleles (0.0044%); highest among the groups gnomAD compares: Non-Finnish European, 0.0053%; no homozygotes.

Submissions (4):

Color Diagnostics, LLC DBA Color Health
Classification: Uncertain significance for Wilson disease. Last evaluated: 2025-09-10. Review status: criteria provided, single submitter. Criteria: ACMG Guidelines, 2015. Collection method: clinical testing. Allele origin: germline.
Comment: This missense variant replaces methionine with valine at codon 89 of the ATP7B protein. Computational prediction suggests that this variant may not impact protein structure and function. To our knowledge, functional studies have not been reported for this variant. This variant has not been reported in individuals affected with ATP7B-related disorders in the literature. This variant has been identified in 3/249252 chromosomes in the general population by the Genome Aggregation Database (gnomAD). The available evidence is insufficient to determine the role of this variant in disease conclusively. Therefore, this variant is classified as a Variant of Uncertain Significance.

All of Us Research Program, National Institutes of Health
Classification: Uncertain significance for Wilson disease. Last evaluated: 2023-12-18. Review status: criteria provided, single submitter. Criteria: ACMG Guidelines, 2015. Collection method: clinical testing. Allele origin: germline. Inheritance: Autosomal recessive inheritance. Observed: 4 variant alleles, 4 heterozygotes.
Comment: This missense variant replaces methionine with valine at codon 89 of the ATP7B protein. Computational prediction suggests that this variant may not impact protein structure and function (internally defined REVEL score threshold <= 0.5, PMID: 27666373). To our knowledge, functional studies have not been reported for this variant. This variant has not been reported in individuals affected with ATP7B-related disorders in the literature. This variant has been identified in 3/249252 chromosomes in the general population by the Genome Aggregation Database (gnomAD). The available evidence is insufficient to determine the role of this variant in disease conclusively. Therefore, this variant is classified as a Variant of Uncertain Significance.

This study involves interpretation of variants in research participants for the purpose of population health screening. Participant phenotype was not available at the time of variant classification. Additional details can be found in publication PMID: 35346344, PMCID: PMC8962531

Labcorp Genetics (formerly Invitae), Labcorp
Classification: Uncertain significance for Wilson disease. Last evaluated: 2021-09-02. Review status: criteria provided, single submitter. Criteria: Invitae Variant Classification Sherloc (09022015). Collection method: clinical testing. Allele origin: germline.
Comment: This sequence change replaces methionine with valine at codon 89 of the ATP7B protein (p.Met89Val). The methionine residue is weakly conserved and there is a small physicochemical difference between methionine and valine. This variant is present in population databases (rs372516400, ExAC 0.001%). This variant has not been reported in the literature in individuals affected with ATP7B-related conditions. Algorithms developed to predict the effect of missense changes on protein structure and function output the following: SIFT: "Tolerated"; PolyPhen-2: "Benign"; Align-GVGD: "Class C0". The valine amino acid residue is found in multiple mammalian species, which suggests that this missense change does not adversely affect protein function. In summary, the available evidence is currently insufficient to determine the role of this variant in disease. Therefore, it has been classified as a Variant of Uncertain Significance.

Natera, Inc.
Classification: Uncertain significance for Wilson disease. Last evaluated: 2020-03-25. Review status: no assertion criteria provided. Collection method: clinical testing. Allele origin: germline. Not counted in ClinVar's aggregate classification.